The following is an entry in ClinVar:

ClinVar aggregate classification (germline): Pathogenic/Likely pathogenic. Review status: criteria provided, multiple submitters, no conflicts (2 of 4 stars). 3 submissions from 3 submitters: Pathogenic (2); Likely pathogenic (1). Last evaluated 2024-08-16.

Conditions:
LRMDA-related disorders.

Allele frequency attached by ClinVar (database versions not stated): gnomAD exomes below 0.00001 and 0.00001; TOPMed 0.00001; gnomAD 0.00003.

Submissions (3):

Blueprint Genetics
Classification: Likely pathogenic for LRMDA-related disorders. Last evaluated: 2024-08-16. Review status: criteria provided, single submitter. Criteria: ACMG Guidelines, 2015. Collection method: clinical testing. Allele origin: germline. Affected: yes. Observed: 2 variant alleles.

Labcorp Genetics (formerly Invitae), Labcorp
Classification: Pathogenic. Last evaluated: 2024-07-22. Review status: criteria provided, single submitter. Criteria: Invitae Variant Classification Sherloc (09022015). Collection method: clinical testing. Allele origin: germline.
Comment: This sequence change creates a premature translational stop signal (p.Arg58*) in the C10orf11 gene. It is expected to result in an absent or disrupted protein product. Loss-of-function variants in C10orf11 are known to be pathogenic (PMID: 23395477, 29345414). This variant is present in population databases (no rsID available, gnomAD 0.002%). This variant has not been reported in the literature in individuals affected with C10orf11-related conditions. ClinVar contains an entry for this variant (Variation ID: 285613). For these reasons, this variant has been classified as Pathogenic.

Eurofins Ntd Llc (ga)
Classification: Pathogenic. Last evaluated: 2016-01-21. Review status: criteria provided, single submitter. Criteria: EGL Classification Definitions 2015. Collection method: clinical testing. Allele origin: germline. Observed: 1 variant allele, 1 heterozygote.

Literature cited by the submitters: PubMed 23395477 (cited by Labcorp Genetics (formerly Invitae), Labcorp); PubMed 29345414 (cited by Labcorp Genetics (formerly Invitae), Labcorp).

NM_001305581.2(LRMDA):c.256C>T (p.Arg86Ter)

Genes: LRMDA (leucine rich melanocyte differentiation associated; plus strand), LOC110121427 (VISTA enhancer hs1679; plus strand). Cytogenetic location: 10q22.3.
Variant type: single nucleotide variant.
Coding change: c.256C>T on transcript NM_001305581.2 (MANE Select); coding-DNA position 256, C replaced by T.
Protein change: p.Arg86Ter; replaces arginine 86 with a stop codon.
Molecular consequence: nonsense. On other transcripts: non-coding transcript variant (1).
Genome position (GRCh38, 1-based): chr10:76,036,132, C>T. VCF-style: chr10-76036132-C-T. GRCh37 (hg19) VCF-style: chr10-77795890-C-T.
Other names: c.172C>T, p.Arg58Ter (NM_032024.5); short protein forms R58*, R86*.
Identifiers: ClinVar variation 285613 (VCV000285613.8), dbSNP rs886043155, ClinGen allele CA10605179.